The following is an entry in ClinVar:

ClinVar aggregate classification (germline): Uncertain significance. Review status: criteria provided, multiple submitters, no conflicts (2 of 4 stars). 2 submissions from 2 submitters: Uncertain significance (2). Last evaluated 2025-12-20.

gnomAD v4.1: 22 of 1,613,634 alleles (0.0014%); highest among the groups gnomAD compares: African/African-American, 0.027%; no homozygotes.

Submissions (2):

Labcorp Genetics (formerly Invitae), Labcorp
Classification: Uncertain significance. Last evaluated: 2025-12-20. Review status: criteria provided, single submitter. Criteria: Invitae Variant Classification Sherloc (09022015). Collection method: clinical testing. Allele origin: germline.
Comment: This sequence change replaces lysine, which is basic and polar, with glutamic acid, which is acidic and polar, at codon 894 of the ITGAM protein (p.Lys894Glu). This variant is present in population databases (rs535254188, gnomAD 0.04%). This variant has not been reported in the literature in individuals affected with ITGAM-related conditions. ClinVar contains an entry for this variant (Variation ID: 3286803). An algorithm developed to predict the effect of missense changes on protein structure and function (PolyPhen-2) suggests that this variant is likely to be tolerated. In summary, the available evidence is currently insufficient to determine the role of this variant in disease. Therefore, it has been classified as a Variant of Uncertain Significance.

Ambry Genetics
Classification: Uncertain significance. Last evaluated: 2024-04-04. Review status: criteria provided, single submitter. Criteria: Ambry Variant Classification Scheme 2023. Collection method: clinical testing. Allele origin: germline.

NM_000632.4(ITGAM):c.2680A>G (p.Lys894Glu)

Gene: ITGAM (integrin subunit alpha M; plus strand). Cytogenetic location: 16p11.2.
Variant type: single nucleotide variant.
Coding change: c.2680A>G on transcript NM_000632.4 (MANE Select); coding-DNA position 2680, A replaced by G.
Protein change: p.Lys894Glu; replaces lysine 894 with glutamic acid.
Molecular consequence: missense variant.
Genome position (GRCh38, 1-based): chr16:31,326,907, A>G. VCF-style: chr16-31326907-A-G. GRCh37 (hg19) VCF-style: chr16-31338228-A-G.
Other names: c.2683A>G, p.Lys895Glu (NM_001145808.2); short protein forms K895E, K894E.
Identifiers: ClinVar variation 3286803 (VCV003286803.3).